The following is an entry in ClinVar:

NM_032737.4(LMNB2):c.1090C>T (p.Arg364Trp)

Gene: LMNB2 (lamin B2; minus strand). Cytogenetic location: 19p13.3.
Variant type: single nucleotide variant.
Coding change: c.1090C>T on transcript NM_032737.4 (MANE Select); coding-DNA position 1090, C replaced by T.
Protein change: p.Arg364Trp; replaces arginine 364 with tryptophan.
Molecular consequence: missense variant.
Genome position (GRCh38, 1-based): chr19:2,434,407, G>A on the plus strand (C>T on the coding strand, the complement: LMNB2 is on the minus strand). VCF-style: chr19-2434407-G-A. GRCh37 (hg19) VCF-style: chr19-2434405-G-A.
Other names: short protein forms R364W.
Identifiers: ClinVar variation 1036962 (VCV001036962.8), dbSNP rs1482825530, ClinGen allele CA403254064.

ClinVar aggregate classification (germline): Uncertain significance (1 of 4 stars; one submission).

Conditions:
Progressive myoclonic epilepsy type 9. Identifiers: Orphanet 457265, MedGen C4225289, MONDO:0014685, OMIM 616540.
Lipodystrophy, partial, acquired, susceptibility to (APLD). Also called: APLD, SUSCEPTIBILITY TO. Identifiers: MedGen C3887501, MONDO:0100476, OMIM 608709.

Allele frequency attached by ClinVar (database versions not stated): gnomAD exomes below 0.00001.
gnomAD v4.1: 3 of 1,613,464 alleles (0.00019%); highest among the groups gnomAD compares: Admixed American, 0.0017%; no homozygotes.

Submission:

Labcorp Genetics (formerly Invitae), Labcorp
Classification: Uncertain significance for Progressive myoclonic epilepsy type 9; Lipodystrophy, partial, acquired, susceptibility to. Last evaluated: 2024-10-30. Review status: criteria provided, single submitter. Criteria: Invitae Variant Classification Sherloc (09022015). Collection method: clinical testing. Allele origin: germline.
Comment: This sequence change replaces arginine, which is basic and polar, with tryptophan, which is neutral and slightly polar, at codon 364 of the LMNB2 protein (p.Arg364Trp). This variant is present in population databases (no rsID available, gnomAD 0.003%). This variant has not been reported in the literature in individuals affected with LMNB2-related conditions. ClinVar contains an entry for this variant (Variation ID: 1036962). Invitae Evidence Modeling of protein sequence and biophysical properties (such as structural, functional, and spatial information, amino acid conservation, physicochemical variation, residue mobility, and thermodynamic stability) indicates that this missense variant is expected to disrupt LMNB2 protein function with a positive predictive value of 80%. In summary, the available evidence is currently insufficient to determine the role of this variant in disease. Therefore, it has been classified as a Variant of Uncertain Significance.